The following is an entry in ClinVar:

ClinVar aggregate classification (germline): Uncertain significance (1 of 4 stars; one submission).

Conditions:
Immunodeficiency, common variable, 7. Identifiers: Orphanet 1572, Orphanet 696894, MedGen C3542922, MONDO:0013862, OMIM 614699.

Allele frequency attached by ClinVar (database versions not stated): TOPMed 0.00013; 1000 Genomes Project 30x 0.00062; ExAC 0.00011; gnomAD 0.00019; 1000 Genomes Project 0.00080.
gnomAD v4.1: 65 of 1,613,836 alleles (0.004%); highest among the groups gnomAD compares: African/African-American, 0.057%; no homozygotes.

Submission:

Labcorp Genetics (formerly Invitae), Labcorp
Classification: Uncertain significance for Immunodeficiency, common variable, 7. Last evaluated: 2022-08-09. Review status: criteria provided, single submitter. Criteria: Invitae Variant Classification Sherloc (09022015). Collection method: clinical testing. Allele origin: germline.
Comment: This sequence change replaces arginine, which is basic and polar, with histidine, which is basic and polar, at codon 428 of the CR2 protein (p.Arg428His). This variant is present in population databases (rs183067414, gnomAD 0.05%). This missense change has been observed in individual(s) with hypertension and renal microangiopathy (PMID: 29148534). Algorithms developed to predict the effect of missense changes on protein structure and function output the following: SIFT: "Tolerated"; PolyPhen-2: "Benign"; Align-GVGD: "Class C0". The histidine amino acid residue is found in multiple mammalian species, which suggests that this missense change does not adversely affect protein function. In summary, the available evidence is currently insufficient to determine the role of this variant in disease. Therefore, it has been classified as a Variant of Uncertain Significance.

Literature cited by the submitters: PubMed 29148534.

NM_001006658.3(CR2):c.1283G>A (p.Arg428His)

Gene: CR2 (complement C3d receptor 2; plus strand). Cytogenetic location: 1q32.2.
Variant type: single nucleotide variant.
Coding change: c.1283G>A on transcript NM_001006658.3 (MANE Select); coding-DNA position 1283, G replaced by A.
Protein change: p.Arg428His; replaces arginine 428 with histidine.
Molecular consequence: missense variant.
Genome position (GRCh38, 1-based): chr1:207,470,797, G>A. VCF-style: chr1-207470797-G-A. GRCh37 (hg19) VCF-style: chr1-207644142-G-A.
Other names: c.1283G>A, p.Arg428His (NM_001877.5); short protein forms R428H.
Identifiers: ClinVar variation 2186502 (VCV002186502.1), dbSNP rs183067414, ClinGen allele CA1368681.
Genomic context (GRCh38, chr1:207,470,797, plus strand): 5'-TAGAATGCCAGGCCCCTCCTAACATCCTCAATGGGCAAAAGGAAGATAGACACATGGTCC[G>A]CTTTGACCCTGGAACATCTATAAAATATAGCTGTAACCCTGGCTATGTGCTGGTGGGAGA-3'
Protein context (NP_001006659.1, residues 418-438): NGQKEDRHMV[Arg428His]FDPGTSIKYS